The following is an entry in ClinVar:

ClinVar aggregate classification (germline): Uncertain significance. Review status: criteria provided, multiple submitters, no conflicts (2 of 4 stars). 3 submissions from 3 submitters: Uncertain significance (3). Last evaluated 2025-11-07.

Conditions:
Neurofibromatosis, type 1 (NF1). Also called: VON RECKLINGHAUSEN DISEASE; NEUROFIBROMATOSIS, TYPE I, SOMATIC; Peripheral type neurofibromatosis; Neurofibromatosis, type I. Identifiers: Orphanet 636, MedGen C0027831, MONDO:0018975, OMIM 162200. Disease mechanism: loss of function.
Cardiovascular phenotype. Identifiers: MedGen CN230736.
Hereditary cancer-predisposing syndrome. Also called: Hereditary Cancer Syndrome; Hereditary neoplastic syndrome; Tumor predisposition; Neoplastic Syndromes, Hereditary. Identifiers: Orphanet 140162, MedGen C0027672, MeSH D009386, MONDO:0015356.

Allele frequency attached by ClinVar (database versions not stated): gnomAD exomes below 0.00001.
gnomAD v4.1: 4 of 1,614,002 alleles (0.00025%); highest among the groups gnomAD compares: Non-Finnish European, 0.00034%; no homozygotes.

Submissions (3):

Ambry Genetics
Classification: Uncertain significance for Cardiovascular phenotype; Hereditary cancer-predisposing syndrome. Last evaluated: 2025-11-07. Review status: criteria provided, single submitter. Criteria: Ambry Variant Classification Scheme 2023. Collection method: clinical testing. Allele origin: germline.
Comment: The p.A1858V variant (also known as c.5573C>T), located in coding exon 38 of the NF1 gene, results from a C to T substitution at nucleotide position 5573. The alanine at codon 1858 is replaced by valine, an amino acid with similar properties. This amino acid position is highly conserved in available vertebrate species. In addition, this alteration is predicted to be deleterious by in silico analysis. Since supporting evidence is limited at this time, the clinical significance of this alteration remains unclear.

Genome-Nilou Lab
Classification: Uncertain significance for Neurofibromatosis, type 1. Last evaluated: 2022-03-15. Review status: criteria provided, single submitter. Criteria: ACMG Guidelines, 2015. Collection method: clinical testing. Allele origin: germline. Affected: no.

Labcorp Genetics (formerly Invitae), Labcorp
Classification: Uncertain significance for Neurofibromatosis, type 1. Last evaluated: 2018-06-19. Review status: criteria provided, single submitter. Criteria: Invitae Variant Classification Sherloc (09022015). Collection method: clinical testing. Allele origin: germline.
Comment: This variant is not present in population databases (ExAC no frequency). This sequence change replaces alanine with valine at codon 1858 of the NF1 protein (p.Ala1858Val). The alanine residue is moderately conserved and there is a small physicochemical difference between alanine and valine. This variant has not been reported in the literature in individuals with NF1-related disease. ClinVar contains an entry for this variant (Variation ID: 457757). In summary, the available evidence is currently insufficient to determine the role of this variant in disease. Therefore, it has been classified as a Variant of Uncertain Significance. Algorithms developed to predict the effect of missense changes on protein structure and function do not agree on the potential impact of this missense change (SIFT: "Deleterious"; PolyPhen-2: "Probably Damaging"; Align-GVGD: "Class C0").

NM_001042492.3(NF1):c.5636C>T (p.Ala1879Val)

Gene: NF1 (neurofibromin 1; plus strand). Cytogenetic location: 17q11.2.
Variant type: single nucleotide variant.
Coding change: c.5636C>T on transcript NM_001042492.3 (MANE Select); coding-DNA position 5636, C replaced by T.
Protein change: p.Ala1879Val; replaces alanine 1879 with valine.
Molecular consequence: missense variant.
Genome position (GRCh38, 1-based): chr17:31,330,322, C>T. VCF-style: chr17-31330322-C-T. GRCh37 (hg19) VCF-style: chr17-29657340-C-T.
Other names: c.5573C>T, p.Ala1858Val (NM_000267.4); short protein forms A1879V, A1858V.
Identifiers: ClinVar variation 457757 (VCV000457757.12), dbSNP rs1555533845, ClinGen allele CA399010148.